The following is an entry in ClinVar:

NM_006231.4(POLE):c.4987G>C (p.Asp1663His)

Gene: POLE (DNA polymerase epsilon, catalytic subunit; minus strand). Cytogenetic location: 12q24.33.
Variant type: single nucleotide variant.
Coding change: c.4987G>C on transcript NM_006231.4 (MANE Select); coding-DNA position 4987, G replaced by C.
Protein change: p.Asp1663His; replaces aspartic acid 1663 with histidine.
Molecular consequence: missense variant.
Genome position (GRCh38, 1-based): chr12:132,642,363, C>G on the plus strand (G>C on the coding strand, the complement: POLE is on the minus strand). VCF-style: chr12-132642363-C-G. GRCh37 (hg19) VCF-style: chr12-133218949-C-G.
Other names: short protein forms D1663H.
Identifiers: ClinVar variation 405756 (VCV000405756.12), dbSNP rs753910068, ClinGen allele CA6892645.

ClinVar aggregate classification (germline): Uncertain significance. Review status: criteria provided, multiple submitters, no conflicts (2 of 4 stars). 4 submissions from 4 submitters: Uncertain significance (4). Last evaluated 2025-09-11.

Conditions:
Hereditary cancer-predisposing syndrome. Also called: Hereditary Cancer Syndrome; Hereditary neoplastic syndrome; Neoplastic Syndromes, Hereditary; Tumor predisposition. Identifiers: Orphanet 140162, MedGen C0027672, MeSH D009386, MONDO:0015356.

Allele frequency attached by ClinVar (database versions not stated): gnomAD exomes below 0.00001; ExAC 0.00001.
gnomAD v4.1: 3 of 1,583,936 alleles (0.00019%); highest among the groups gnomAD compares: Non-Finnish European, 0.00026%; no homozygotes.

Submissions (4):

Labcorp Genetics (formerly Invitae), Labcorp
Classification: Uncertain significance. Last evaluated: 2025-09-11. Review status: criteria provided, single submitter. Criteria: Invitae Variant Classification Sherloc (09022015). Collection method: clinical testing. Allele origin: germline.
Comment: This sequence change replaces aspartic acid, which is acidic and polar, with histidine, which is basic and polar, at codon 1663 of the POLE protein (p.Asp1663His). This variant is present in population databases (rs753910068, gnomAD 0.001%). This variant has not been reported in the literature in individuals affected with POLE-related conditions. ClinVar contains an entry for this variant (Variation ID: 405756). Invitae Evidence Modeling of protein sequence and biophysical properties (such as structural, functional, and spatial information, amino acid conservation, physicochemical variation, residue mobility, and thermodynamic stability) has been performed for this missense variant. However, the output from this modeling did not meet the statistical confidence thresholds required to predict the impact of this variant on POLE protein function. In summary, the available evidence is currently insufficient to determine the role of this variant in disease. Therefore, it has been classified as a Variant of Uncertain Significance.

Ambry Genetics
Classification: Uncertain significance for Hereditary cancer-predisposing syndrome. Last evaluated: 2025-06-27. Review status: criteria provided, single submitter. Criteria: Ambry Variant Classification Scheme 2023. Collection method: clinical testing. Allele origin: germline.
Comment: The p.D1663H variant (also known as c.4987G>C), located in coding exon 38 of the POLE gene, results from a G to C substitution at nucleotide position 4987. The aspartic acid at codon 1663 is replaced by histidine, an amino acid with similar properties. This amino acid position is conserved. In addition, this alteration is predicted to be deleterious by in silico analysis. Since supporting evidence is limited at this time, the clinical significance of this alteration remains unclear.

Sema4
Classification: Uncertain significance for Hereditary cancer-predisposing syndrome. Last evaluated: 2021-05-17. Review status: criteria provided, single submitter. Criteria: Sema4 Curation Guidelines. Collection method: curation. Allele origin: germline.
Comment: The POLE c.4987G>C (p.D1663H) variant has been reported as a somatic variant in an analysis of hypermutation in >81,000 tumor samples (PMID: 29056344). This variant was not observed in the large and broad cohorts of the Genome Aggregation Database (PMID: 32461654). This variant has been reported in ClinVar (Variation ID: 405756). In silico tools suggest the impact of the variant on protein function is deleterious, though these predictions have not been confirmed by functional studies. The overall evidence is insufficient to meet ACMG/AMP criteria for classifying it as benign or pathogenic. In summary, the clinical significance of this variant is currently uncertain.

GeneDx
Classification: Uncertain significance. Last evaluated: 2020-03-06. Review status: criteria provided, single submitter. Criteria: GeneDx Variant Classification Process June 2021. Collection method: clinical testing. Allele origin: germline. Affected: yes.
Comment: Has not been previously published as pathogenic or benign to our knowledge; Not observed in large population cohorts (Lek 2016); In silico analysis supports that this missense variant has a deleterious effect on protein structure/function

Literature cited by the submitters: PubMed 29056344 (cited by Sema4).